The following is an entry in ClinVar:

ClinVar aggregate classification (germline): Benign/Likely benign. Review status: criteria provided, multiple submitters, no conflicts (2 of 4 stars). 4 submissions from 4 submitters: Benign (1); Likely benign (3). Last evaluated 2026-01-28.

Conditions:
Cutis laxa with osteodystrophy (ARCL2A). Also called: Debré-Type Cutis Laxa; CUTIS LAXA WITH BONE DYSTROPHY; CUTIS LAXA WITH GROWTH AND DEVELOPMENTAL DELAY; CUTIS LAXA WITH JOINT LAXITY AND RETARDED DEVELOPMENT; CUTIS LAXA, AUTOSOMAL RECESSIVE, TYPE IIA; Autosomal recessive cutis laxa type 2A. Identifiers: Orphanet 357058, MedGen C0268355, MONDO:0018163, OMIM 219200. Disease mechanism: loss of function.
ALG9 congenital disorder of glycosylation (CDG1L). Also called: CDG Il; ALG9-CDG; CONGENITAL DISORDER OF GLYCOSYLATION, TYPE Il. Identifiers: Orphanet 79328, MedGen C2931006, MONDO:0012117, OMIM 608776.

Allele frequency attached by ClinVar (database versions not stated): gnomAD 0.00001 and 0.00021; TOPMed 0.00003; gnomAD exomes 0.00040 and 0.00077; 1000 Genomes Project 30x 0.00062; 1000 Genomes Project 0.00080; ExAC 0.00083.
gnomAD v4.1: 616 of 1,613,696 alleles (0.038%); highest among the groups gnomAD compares: South Asian, 0.65%; 8 homozygotes.

Submissions (4):

Labcorp Genetics (formerly Invitae), Labcorp
Classification: Benign for ALG9 congenital disorder of glycosylation. Last evaluated: 2026-01-28. Review status: criteria provided, single submitter. Criteria: Invitae Variant Classification Sherloc (09022015). Collection method: clinical testing. Allele origin: germline.

Blueprint Genetics
Classification: Likely benign. Last evaluated: 2024-06-28. Review status: criteria provided, single submitter. Criteria: ACMG Guidelines, 2015. Collection method: clinical testing. Allele origin: germline.

GeneDx
Classification: Likely benign. Last evaluated: 2021-03-05. Review status: criteria provided, single submitter. Criteria: GeneDx Variant Classification Process June 2021. Collection method: clinical testing. Allele origin: germline. Affected: yes.

Illumina Laboratory Services, Illumina
Classification: Likely benign for Cutis laxa with osteodystrophy. Last evaluated: 2018-01-13. Review status: criteria provided, single submitter. Criteria: ICSL Variant Classification Criteria 13 December 2019. Collection method: clinical testing. Allele origin: germline.
Comment: This variant was observed in the ICSL laboratory as part of a predisposition screen in an ostensibly healthy population. It had not been previously curated by ICSL or reported in the Human Gene Mutation Database (HGMD: prior to June 1st, 2018), and was therefore a candidate for classification through an automated scoring system. Utilizing variant allele frequency, disease prevalence and penetrance estimates, and inheritance mode, an automated score was calculated to assess if this variant is too frequent to cause the disease. Based on the score and internal cut-off values, a variant classified as likely benign is not then subjected to further curation. The score for this variant resulted in a classification of likely benign for this disease.

NM_012463.4(ATP6V0A2):c.2294-4G>A

Gene: ATP6V0A2 (ATPase H+ transporting V0 subunit a2; plus strand). Cytogenetic location: 12q24.31.
Variant type: single nucleotide variant.
Coding change: c.2294-4G>A on transcript NM_012463.4 (MANE Select); 4 bases into the intron before coding-DNA position 2294, G replaced by A.
Molecular consequence: intron variant.
Genome position (GRCh38, 1-based): chr12:123,756,811, G>A. VCF-style: chr12-123756811-G-A. GRCh37 (hg19) VCF-style: chr12-124241358-G-A.
Identifiers: ClinVar variation 676667 (VCV000676667.16), dbSNP rs551697992, ClinGen allele CA6862209.